The following is an entry in ClinVar:

NM_006006.6(ZBTB16):c.2004C>T (p.Leu668=)

Gene: ZBTB16 (zinc finger and BTB domain containing 16; plus strand). Cytogenetic location: 11q23.2.
Variant type: single nucleotide variant.
Coding change: c.2004C>T on transcript NM_006006.6 (MANE Select); coding-DNA position 2004, C replaced by T.
Protein change: p.Leu668=; no amino-acid change (leucine 668 retained).
Molecular consequence: synonymous variant.
Genome position (GRCh38, 1-based): chr11:114,250,537, C>T. VCF-style: chr11-114250537-C-T. GRCh37 (hg19) VCF-style: chr11-114121259-C-T.
Other names: c.2004C>T, p.Leu668= (NM_001018011.3, NM_001354750.2, NM_001354751.2); c.1917C>T, p.Leu639= (NM_001354752.1).
Identifiers: ClinVar variation 3047334 (VCV003047334.2), dbSNP rs745894313, ClinGen allele CA6285376.
Genomic context (GRCh38, chr11:114,250,537, plus strand): 5'-CATGAAGGGCCACAAGCCCGAGGAGATCCCGCCCGACTGGAGGATAGAGAAGACGTACCT[C>T]TACCTGTGCTATGTGTGAAGGGAGGCCCGCGGCGGTGGAGCCGAGCGGGGAGCCAGGAAA-3'
Protein context (NP_005997.2, residues 658-673): PPDWRIEKTY[Leu668=]YLCYV

ClinVar aggregate classification (germline): Likely benign (0 of 4 stars; one submission).

Conditions:
ZBTB16-related disorder. Also called: ZBTB16-related condition.

Allele frequency attached by ClinVar (database versions not stated): gnomAD exomes 0.00001; ExAC 0.00002.
gnomAD v4.1: 10 of 1,613,988 alleles (0.00062%); highest among the groups gnomAD compares: Admixed American, 0.0067%; no homozygotes.

Submission:

PreventionGenetics, part of Exact Sciences
Classification: Likely benign for ZBTB16-related condition. Last evaluated: 2019-03-21. Review status: no assertion criteria provided. Collection method: clinical testing. Allele origin: germline.
Comment: This variant is classified as likely benign based on ACMG/AMP sequence variant interpretation guidelines (Richards et al. 2015 PMID: 25741868, with internal and published modifications).